The following is an entry in ClinVar:

NM_001710.6(CFB):c.580G>C (p.Gly194Arg)

Gene: CFB (complement factor B; plus strand). Cytogenetic location: 6p21.33.
Variant type: single nucleotide variant.
Coding change: c.580G>C on transcript NM_001710.6 (MANE Select); coding-DNA position 580, G replaced by C.
Protein change: p.Gly194Arg; replaces glycine 194 with arginine.
Molecular consequence: missense variant.
Genome position (GRCh38, 1-based): chr6:31,947,443, G>C. VCF-style: chr6-31947443-G-C. GRCh37 (hg19) VCF-style: chr6-31915220-G-C.
Other names: short protein forms G194R.
Identifiers: ClinVar variation 1715799 (VCV001715799.5), dbSNP rs1258031617, ClinGen allele CA363393194.

ClinVar aggregate classification (germline): Uncertain significance (1 of 4 stars; one submission).

Submission:

Labcorp Genetics (formerly Invitae), Labcorp
Classification: Uncertain significance. Last evaluated: 2022-08-09. Review status: criteria provided, single submitter. Criteria: Invitae Variant Classification Sherloc (09022015). Collection method: clinical testing. Allele origin: germline.
Comment: In summary, the available evidence is currently insufficient to determine the role of this variant in disease. Therefore, it has been classified as a Variant of Uncertain Significance. This sequence change replaces glycine, which is neutral and non-polar, with arginine, which is basic and polar, at codon 194 of the CFB protein (p.Gly194Arg). This variant is not present in population databases (gnomAD no frequency). This variant has not been reported in the literature in individuals affected with CFB-related conditions. Algorithms developed to predict the effect of missense changes on protein structure and function are either unavailable or do not agree on the potential impact of this missense change (SIFT: "Tolerated"; PolyPhen-2: "Probably Damaging"; Align-GVGD: "Class C0").